The following is an entry in ClinVar:

ClinVar aggregate classification (germline): Likely pathogenic (1 of 4 stars; one submission).

Conditions:
Developmental and epileptic encephalopathy, 2 (DEE2). Also called: INFANTILE SPASM SYNDROME, X-LINKED 2; CDKL5 deficiency disorder. Identifiers: Orphanet 1934, Orphanet 3451, Orphanet 505652, MedGen C4750718, MONDO:0010396, OMIM 300672.

Submission:

Neuberg Centre For Genomic Medicine, NCGM
Classification: Likely pathogenic for Developmental and epileptic encephalopathy, 2. Last evaluated: 2024-02-01. Review status: criteria provided, single submitter. Criteria: ACMG Guidelines, 2015. Collection method: clinical testing. Allele origin: germline. Inheritance: X-linked dominant inheritance. Affected: yes.
Comment: The above variant has been reported previously in individual(s) affected with CDKL5 related early infantile epileptic encephalopathy (Nashabat M, et al., 2019). Another missense variant [c.119C>T (p.Ala40Val)] on the same residue of this gene has previously been reported to be disease causing (Nemos C, et al., 2009), suggesting that this residue might be of clinical significance. However, additional functional studies in individuals will be required to prove the pathogenicity of this variant. For these reasons, this variant has been classified as Likely Pathogenic.

NM_001323289.2(CDKL5):c.119C>A (p.Ala40Glu)

Gene: CDKL5 (cyclin dependent kinase like 5; plus strand). Cytogenetic location: Xp22.13.
Variant type: single nucleotide variant.
Coding change: c.119C>A on transcript NM_001323289.2 (MANE Select); coding-DNA position 119, C replaced by A.
Protein change: p.Ala40Glu; replaces alanine 40 with glutamic acid.
Molecular consequence: missense variant.
Genome position (GRCh38, 1-based): chrX:18,564,496, C>A. VCF-style: chrX-18564496-C-A. GRCh37 (hg19) VCF-style: chrX-18582616-C-A.
Other names: c.119C>A, p.Ala40Glu (NM_001037343.2, NM_003159.3); short protein forms A40E.
Identifiers: ClinVar variation 3895522 (VCV003895522.1).